The following is an entry in ClinVar:

ClinVar aggregate classification (germline): Pathogenic (1 of 4 stars; one submission).

Submission:

GeneDx
Classification: Pathogenic. Last evaluated: 2018-08-31. Review status: criteria provided, single submitter. Criteria: GeneDx Variant Classification (06012015). Collection method: clinical testing. Allele origin: germline. Affected: yes.
Comment: The S1183X nonsense variant in the CHD2 gene is predicted to cause loss of normal protein function either through protein truncation or nonsense-mediated mRNA decay. The S1183X variant is not observed in large population cohorts (Lek et al., 2016). Although this pathogenic variant has not been reported previously to our knowledge, its presence is consistent with the diagnosis of a CHD2-related disorder in this individual.

NM_001271.4(CHD2):c.3548C>A (p.Ser1183Ter)

Gene: CHD2 (chromodomain helicase DNA binding protein 2; plus strand). Cytogenetic location: 15q26.1.
Variant type: single nucleotide variant.
Coding change: c.3548C>A on transcript NM_001271.4 (MANE Select); coding-DNA position 3548, C replaced by A.
Protein change: p.Ser1183Ter; replaces serine 1183 with a stop codon.
Molecular consequence: nonsense.
Genome position (GRCh38, 1-based): chr15:92,992,951, C>A. VCF-style: chr15-92992951-C-A. GRCh37 (hg19) VCF-style: chr15-93536181-C-A.
Other names: short protein forms S1183*.
Identifiers: ClinVar variation 620337 (VCV000620337.1), dbSNP rs775406327, ClinGen allele CA393896719.